The following is an entry in ClinVar:

ClinVar aggregate classification (germline): Pathogenic (1 of 4 stars; one submission).

Conditions:
Early-infantile DEE. Also called: Ohtahara syndrome; Early infantile epileptic encephalopathy; Early infantile epileptic encephalopathy with suppression bursts. Identifiers: Orphanet 1934, MedGen C0393706, MONDO:0800491.

Submission:

Labcorp Genetics (formerly Invitae), Labcorp
Classification: Pathogenic for Early-infantile DEE. Last evaluated: 2025-02-24. Review status: criteria provided, single submitter. Criteria: Invitae Variant Classification Sherloc (09022015). Collection method: clinical testing. Allele origin: germline.
Comment: This sequence change replaces isoleucine, which is neutral and non-polar, with leucine, which is neutral and non-polar, at codon 1782 of the SCN1A protein (p.Ile1782Leu). This variant is not present in population databases (gnomAD no frequency). This missense change has been observed in individual(s) with Dravet syndrome (PMID: 31031587). In at least one individual the variant was observed to be de novo. ClinVar contains an entry for this variant (Variation ID: 1518250). Invitae Evidence Modeling of protein sequence and biophysical properties (such as structural, functional, and spatial information, amino acid conservation, physicochemical variation, residue mobility, and thermodynamic stability) indicates that this missense variant is expected to disrupt SCN1A protein function with a positive predictive value of 95%. This variant disrupts the p.Ile1782 amino acid residue in SCN1A. Other variant(s) that disrupt this residue have been determined to be pathogenic (PMID: 20522430). This suggests that this residue is clinically significant, and that variants that disrupt this residue are likely to be disease-causing. For these reasons, this variant has been classified as Pathogenic.

Literature cited by the submitters: PubMed 31031587; PubMed 20522430.

NM_001165963.4(SCN1A):c.5344A>C (p.Ile1782Leu)

Genes: SCN1A (sodium voltage-gated channel alpha subunit 1; minus strand), LOC102724058 (uncharacterized LOC102724058; plus strand). Cytogenetic location: 2q24.3.
Variant type: single nucleotide variant.
Coding change: c.5344A>C on transcript NM_001165963.4 (MANE Select); coding-DNA position 5344, A replaced by C.
Protein change: p.Ile1782Leu; replaces isoleucine 1782 with leucine.
Molecular consequence: missense variant. On other transcripts: non-coding transcript variant (1).
Genome position (GRCh38, 1-based): chr2:165,991,931, T>G on the plus strand (A>C on the coding strand, the complement: SCN1A is on the minus strand). VCF-style: chr2-165991931-T-G. GRCh37 (hg19) VCF-style: chr2-166848441-T-G.
Other names: c.5260A>C, p.Ile1754Leu (NM_001165964.3, NM_001353957.2, NM_001353958.2); c.5344A>C, p.Ile1782Leu (NM_001202435.3, NM_001353948.2); c.5311A>C, p.Ile1771Leu (NM_001353949.2, NM_001353950.2, NM_001353951.2 and 2 more transcripts); c.5308A>C, p.Ile1770Leu (NM_001353954.2, NM_001353955.2); c.5257A>C, p.Ile1753Leu (NM_001353960.2); c.2902A>C, p.Ile968Leu (NM_001353961.2); short protein forms I1754L, I968L, I1770L, I1753L, I1782L, I1771L.
Identifiers: ClinVar variation 1518250 (VCV001518250.9), dbSNP rs1689240616, ClinGen allele CA349068079.